The following is an entry in ClinVar:

NM_004260.4(RECQL4):c.2879C>T (p.Ala960Val)

Gene: RECQL4 (RecQ like helicase 4; minus strand). Cytogenetic location: 8q24.3.
Variant type: single nucleotide variant.
Coding change: c.2879C>T on transcript NM_004260.4 (MANE Select); coding-DNA position 2879, C replaced by T.
Protein change: p.Ala960Val; replaces alanine 960 with valine.
Molecular consequence: missense variant.
Genome position (GRCh38, 1-based): chr8:144,512,648, G>A on the plus strand (C>T on the coding strand, the complement: RECQL4 is on the minus strand). VCF-style: chr8-144512648-G-A. GRCh37 (hg19) VCF-style: chr8-145738031-G-A.
Other names: short protein forms A960V.
Identifiers: ClinVar variation 459440 (VCV000459440.5), dbSNP rs373651108, ClinGen allele CA4948043.

ClinVar aggregate classification (germline): Uncertain significance (1 of 4 stars; one submission).

Conditions:
Baller-Gerold syndrome (BGS). Also called: CRANIOSYNOSTOSIS WITH RADIAL DEFECTS. Identifiers: Orphanet 1225, MedGen C0265308, MONDO:0009039, OMIM 218600.

Allele frequency attached by ClinVar (database versions not stated): TOPMed below 0.00001; gnomAD 0.00001; ESP Exome Variant Server 0.00008.

Submission:

Labcorp Genetics (formerly Invitae), Labcorp
Classification: Uncertain significance for Baller-Gerold syndrome. Last evaluated: 2024-05-06. Review status: criteria provided, single submitter. Criteria: Invitae Variant Classification Sherloc (09022015). Collection method: clinical testing. Allele origin: germline.
Comment: This sequence change replaces alanine, which is neutral and non-polar, with valine, which is neutral and non-polar, at codon 960 of the RECQL4 protein (p.Ala960Val). This variant is present in population databases (rs373651108, gnomAD 0.002%). This variant has not been reported in the literature in individuals affected with RECQL4-related conditions. ClinVar contains an entry for this variant (Variation ID: 459440). Advanced modeling of protein sequence and biophysical properties (such as structural, functional, and spatial information, amino acid conservation, physicochemical variation, residue mobility, and thermodynamic stability) performed at Invitae indicates that this missense variant is not expected to disrupt RECQL4 protein function with a negative predictive value of 80%. In summary, the available evidence is currently insufficient to determine the role of this variant in disease. Therefore, it has been classified as a Variant of Uncertain Significance.